The following is an entry in ClinVar:

NM_006922.4(SCN3A):c.3084A>G (p.Lys1028=)

Gene: SCN3A (sodium voltage-gated channel alpha subunit 3; minus strand). Cytogenetic location: 2q24.3.
Variant type: single nucleotide variant.
Coding change: c.3084A>G on transcript NM_006922.4 (MANE Select); coding-DNA position 3084, A replaced by G.
Protein change: p.Lys1028=; no amino-acid change (lysine 1028 retained).
Molecular consequence: synonymous variant.
Genome position (GRCh38, 1-based): chr2:165,127,940, T>C on the plus strand (A>G on the coding strand, the complement: SCN3A is on the minus strand). VCF-style: chr2-165127940-T-C. GRCh37 (hg19) VCF-style: chr2-165984450-T-C.
Other names: c.2937A>G, p.Lys979= (NM_001081676.2, NM_001081677.2).
Identifiers: ClinVar variation 937284 (VCV000937284.40), dbSNP rs767052591, ClinGen allele CA1938861.

ClinVar aggregate classification (germline): Likely benign. Review status: criteria provided, multiple submitters, no conflicts (2 of 4 stars). 3 submissions from 3 submitters: Likely benign (3). Last evaluated 2026-02-01.

Allele frequency attached by ClinVar (database versions not stated): TOPMed below 0.00001; gnomAD 0.00001 and 0.00002; gnomAD exomes 0.00001 and 0.00002; ExAC 0.00002.
gnomAD v4.1: 17 of 1,613,974 alleles (0.0011%); highest among the groups gnomAD compares: Non-Finnish European, 0.0012%; no homozygotes.

Submissions (3):

CeGaT Center for Human Genetics Tuebingen
Classification: Likely benign. Last evaluated: 2026-02-01. Review status: criteria provided, single submitter. Criteria: CeGaT Center For Human Genetics Tuebingen Variant Classification Criteria Version 2. Collection method: clinical testing. Allele origin: germline. Affected: yes. Observed: 2 variant alleles.
Comment: SCN3A: BP4

Labcorp Genetics (formerly Invitae), Labcorp
Classification: Likely benign. Last evaluated: 2025-01-11. Review status: criteria provided, single submitter. Criteria: Invitae Variant Classification Sherloc (09022015). Collection method: clinical testing. Allele origin: germline.

Blueprint Genetics
Classification: Likely benign. Last evaluated: 2024-11-25. Review status: criteria provided, single submitter. Criteria: ACMG Guidelines, 2015. Collection method: clinical testing. Allele origin: germline.